The following is an entry in ClinVar:

ClinVar aggregate classification (germline): Benign/Likely benign. Review status: criteria provided, multiple submitters, no conflicts (2 of 4 stars). 3 submissions from 3 submitters: Benign (1); Likely benign (1). 1 of the submissions does not count toward it. Last evaluated 2023-12-01.

Conditions:
MSL3-related disorder. Also called: MSL3-related condition.
Inborn genetic diseases. Identifiers: MedGen C0950123, MeSH D030342.

Allele frequency attached by ClinVar (database versions not stated): gnomAD 0.00002; TOPMed 0.00006; gnomAD exomes 0.00012; ExAC 0.00022.
gnomAD v4.1: 135 of 1,162,473 alleles (0.012%); highest among the groups gnomAD compares: Middle Eastern, 0.12%; no homozygotes.

Submissions (3):

CeGaT Center for Human Genetics Tuebingen
Classification: Likely benign. Last evaluated: 2023-12-01. Review status: criteria provided, single submitter. Criteria: CeGaT Center For Human Genetics Tuebingen Variant Classification Criteria Version 2. Collection method: clinical testing. Allele origin: germline. Affected: yes. Observed: 1 variant allele.
Comment: MSL3: BP4, BS2

Ambry Genetics
Classification: Benign for Inborn genetic diseases. Last evaluated: 2022-03-17. Review status: criteria provided, single submitter. Criteria: Ambry Variant Classification Scheme 2023. Collection method: clinical testing. Allele origin: germline.

PreventionGenetics, part of Exact Sciences
Classification: Likely benign for MSL3-related condition. Last evaluated: 2021-09-17. Review status: no assertion criteria provided. Collection method: clinical testing. Allele origin: germline. Not counted in ClinVar's aggregate classification.
Comment: This variant is classified as likely benign based on ACMG/AMP sequence variant interpretation guidelines (Richards et al. 2015 PMID: 25741868, with internal and published modifications).

NM_078629.4(MSL3):c.520A>G (p.Ile174Val)

Gene: MSL3 (MSL complex subunit 3; plus strand). Cytogenetic location: Xp22.2.
Variant type: single nucleotide variant.
Coding change: c.520A>G on transcript NM_078629.4 (MANE Select); coding-DNA position 520, A replaced by G.
Protein change: p.Ile174Val; replaces isoleucine 174 with valine.
Molecular consequence: missense variant.
Genome position (GRCh38, 1-based): chrX:11,762,184, A>G. VCF-style: chrX-11762184-A-G. GRCh37 (hg19) VCF-style: chrX-11780303-A-G.
Other names: c.484A>G, p.Ile162Val (NM_001193270.2); c.73A>G, p.Ile25Val (NM_001282174.1); c.22A>G, p.Ile8Val (NM_006800.4); c.520A>G, p.Ile174Val (NM_078628.2); short protein forms I162V, I25V, I174V, I8V.
Identifiers: ClinVar variation 2409871 (VCV002409871.25), dbSNP rs777091019, ClinGen allele CA10348806.